The following is an entry in ClinVar:

ClinVar aggregate classification (germline): Pathogenic (1 of 4 stars; one submission).

Conditions:
Early-infantile DEE. Also called: Early infantile epileptic encephalopathy; Ohtahara syndrome; Early infantile epileptic encephalopathy with suppression bursts. Identifiers: Orphanet 1934, MedGen C0393706, MONDO:0800491.

Submission:

Labcorp Genetics (formerly Invitae), Labcorp
Classification: Pathogenic for Early-infantile DEE. Last evaluated: 2018-07-31. Review status: criteria provided, single submitter. Criteria: Invitae Variant Classification Sherloc (09022015). Collection method: clinical testing. Allele origin: germline.
Comment: This sequence change results in a frameshift in the KCNQ2 gene (p.Pro776Thrfs*154). While this is not anticipated to result in nonsense mediated decay, it is expected to disrupt the last 97 amino acids of the KCNQ2 protein and extend the protein by an additional 57 amino acids. For these reasons, this variant has been classified as Pathogenic. A different frameshift variant (p.Gly866Alafs*64) that lies downstream of this variant has been determined to be pathogenic (PMID: 10482260). This suggests that deletion of this region of the KCNQ2 protein is causative of disease. This variant has not been reported in the literature in individuals with KCNQ2-related disease. This variant is not present in population databases (ExAC no frequency).

Literature cited by the submitters: PubMed 10482260.

NM_172107.4(KCNQ2):c.2326_2327delinsA (p.Pro776fs)

Gene: KCNQ2 (potassium voltage-gated channel subfamily Q member 2; minus strand). Cytogenetic location: 20q13.33.
Variant type: Indel.
Coding change: c.2326_2327delinsA on transcript NM_172107.4 (MANE Select); coding-DNA positions 2326 to 2327, CC replaced by A.
Protein change: p.Pro776fs; shifts the reading frame from proline 776.
Molecular consequence: frameshift variant.
Genome position (GRCh38, 1-based): chr20:63,406,936-63,406,937, GG replaced by T on the plus strand (CC replaced by A on the coding strand, the reverse complement: KCNQ2 is on the minus strand). VCF-style: chr20-63406936-GG-T. GRCh37 (hg19) VCF-style: chr20-62038289-GG-T.
Other names: c.2242_2243delinsA, p.Pro748fs (NM_004518.6); c.2272_2273delinsA, p.Pro758fs (NM_172106.3); c.2233_2234delinsA, p.Pro745fs (NM_172108.5); short protein forms P748fs, P745fs, P776fs, P758fs.
Identifiers: ClinVar variation 644234 (VCV000644234.6), dbSNP rs1601542702, ClinGen allele CA915952957.
Genomic context (GRCh38, chr20:63,406,936, plus strand): 5'-TCGTGGTCCACGGACGGGATGGAGATGGACGTGTCGCTGTCCCGCAGGTTCCCCTCGGGG[GG>T]CCTGCAGCCCGGGGTGTCCTCCTGCCGCAGGAACTCCATGCTGGCGCGGTTGCCCCCGCC-3'